The following is an entry in ClinVar:

NM_181783.4(TMTC3):c.1433-3T>C

Gene: TMTC3 (transmembrane O-mannosyltransferase targeting cadherins 3; plus strand). Cytogenetic location: 12q21.32.
Variant type: single nucleotide variant.
Coding change: c.1433-3T>C on transcript NM_181783.4 (MANE Select); 3 bases into the intron before coding-DNA position 1433, T replaced by C.
Molecular consequence: intron variant.
Genome position (GRCh38, 1-based): chr12:88,188,840, T>C. VCF-style: chr12-88188840-T-C. GRCh37 (hg19) VCF-style: chr12-88582617-T-C.
Other names: c.1433-3T>C (NM_181783.3); c.1214-3T>C (NM_001366579.1); c.1253-3T>C (NM_001366574.1); c.1166-3T>C (NM_001366580.1); c.740-3T>C (NM_001366583.1).
Identifiers: ClinVar variation 1669382 (VCV001669382.11), dbSNP rs201431220, ClinGen allele CA6713299.

ClinVar aggregate classification (germline): Likely benign. Review status: criteria provided, multiple submitters, no conflicts (2 of 4 stars). 3 submissions from 3 submitters: Likely benign (2). 1 of the submissions does not count toward it. Last evaluated 2025-11-23.

Conditions:
TMTC3-related disorder. Also called: TMTC3-related condition.

Allele frequency attached by ClinVar (database versions not stated): 1000 Genomes Project 30x 0.00016; 1000 Genomes Project 0.00020; TOPMed 0.00045; gnomAD 0.00046 and 0.00049; gnomAD exomes 0.00070 and 0.00090; ExAC 0.00087; ESP Exome Variant Server 0.00092.
gnomAD v4.1: 1,259 of 1,484,702 alleles (0.085%); highest among the groups gnomAD compares: Non-Finnish European, 0.11%; 2 homozygotes.

Submissions (3):

Labcorp Genetics (formerly Invitae), Labcorp
Classification: Likely benign. Last evaluated: 2025-11-23. Review status: criteria provided, single submitter. Criteria: Invitae Variant Classification Sherloc (09022015). Collection method: clinical testing. Allele origin: germline.

Blueprint Genetics
Classification: Likely benign. Last evaluated: 2024-11-12. Review status: criteria provided, single submitter. Criteria: ACMG Guidelines, 2015. Collection method: clinical testing. Allele origin: germline.

PreventionGenetics, part of Exact Sciences
Classification: Likely benign for TMTC3-related condition. Last evaluated: 2020-09-28. Review status: no assertion criteria provided. Collection method: clinical testing. Allele origin: germline. Not counted in ClinVar's aggregate classification.
Comment: This variant is classified as likely benign based on ACMG/AMP sequence variant interpretation guidelines (Richards et al. 2015 PMID: 25741868, with internal and published modifications).